The following is an entry in ClinVar:

NM_000297.4(PKD2):c.2124C>T (p.Tyr708=)

Gene: PKD2 (polycystin 2, transient receptor potential cation channel; plus strand). Cytogenetic location: 4q22.1.
Variant type: single nucleotide variant.
Coding change: c.2124C>T on transcript NM_000297.4 (MANE Select); coding-DNA position 2124, C replaced by T.
Protein change: p.Tyr708=; no amino-acid change (tyrosine 708 retained).
Molecular consequence: synonymous variant. On other transcripts: non-coding transcript variant (1).
Genome position (GRCh38, 1-based): chr4:88,065,379, C>T. VCF-style: chr4-88065379-C-T. GRCh37 (hg19) VCF-style: chr4-88986531-C-T.
Other names: c.2124C>T (NM_000297.3).
Identifiers: ClinVar variation 1127488 (VCV001127488.11), dbSNP rs772904125, ClinGen allele CA100883493.

ClinVar aggregate classification (germline): Likely benign. Review status: criteria provided, multiple submitters, no conflicts (2 of 4 stars). 3 submissions from 3 submitters: Likely benign (3). Last evaluated 2026-09-22.

Conditions:
Autosomal dominant polycystic kidney disease. Identifiers: Orphanet 730, MedGen C0085413, MONDO:0004691.
PKD2-related disorder. Also called: PKD2-related condition.

Allele frequency attached by ClinVar (database versions not stated): TOPMed 0.00003; gnomAD 0.00001; gnomAD exomes 0.00001.
gnomAD v4.1: 16 of 1,611,454 alleles (0.00099%); highest among the groups gnomAD compares: Middle Eastern, 0.05%; no homozygotes.

Submissions (3):

PreventionGenetics, part of Exact Sciences
Classification: Likely benign for PKD2-related condition. Last evaluated: 2026-09-22. Review status: criteria provided, single submitter. Criteria: ACMG Guidelines, 2015. Collection method: clinical testing. Allele origin: germline.
Comment: This variant is classified as likely benign based on ACMG/AMP sequence variant interpretation guidelines (Richards et al. 2015 PMID: 25741868, with internal and published modifications).

Labcorp Genetics (formerly Invitae), Labcorp
Classification: Likely benign for Autosomal dominant polycystic kidney disease. Last evaluated: 2025-08-06. Review status: criteria provided, single submitter. Criteria: Invitae Variant Classification Sherloc (09022015). Collection method: clinical testing. Allele origin: germline.

Blueprint Genetics
Classification: Likely benign. Last evaluated: 2024-09-21. Review status: criteria provided, single submitter. Criteria: ACMG Guidelines, 2015. Collection method: clinical testing. Allele origin: germline.